The following is an entry in ClinVar:

NM_001292034.3(TAB2):c.1726C>T (p.Arg576Cys)

Gene: TAB2 (TGF-beta activated kinase 1 (MAP3K7) binding protein 2; plus strand). Cytogenetic location: 6q25.1.
Variant type: single nucleotide variant.
Coding change: c.1726C>T on transcript NM_001292034.3 (MANE Select); coding-DNA position 1726, C replaced by T.
Protein change: p.Arg576Cys; replaces arginine 576 with cysteine.
Molecular consequence: missense variant.
Genome position (GRCh38, 1-based): chr6:149,397,726, C>T. VCF-style: chr6-149397726-C-T. GRCh37 (hg19) VCF-style: chr6-149718862-C-T.
Other names: c.1630C>T, p.Arg544Cys (NM_001292035.3); c.1726C>T, p.Arg576Cys (NM_001369506.1, NM_015093.6); short protein forms R544C, R576C.
Identifiers: ClinVar variation 1695814 (VCV001695814.7), dbSNP rs772797083, ClinGen allele CA4041598.
Genomic context (GRCh38, chr6:149,397,726, plus strand): 5'-AAAAAGCTGGATAAATTAAAATCTGAGGTTAATGAAATGGAAAATAATCTAACTCGAAGG[C>T]GCCTGAAAAGATCAAATTCTATATCCCAGATACCTTCCGTAAGTCTTTATGTAACTGTTG-3'
Protein context (NP_001278963.1, residues 566-586): NEMENNLTRR[Arg576Cys]LKRSNSISQI

ClinVar aggregate classification (germline): Uncertain significance. Review status: criteria provided, multiple submitters, no conflicts (2 of 4 stars). 2 submissions from 2 submitters: Uncertain significance (2). Last evaluated 2021-12-25.

Allele frequency attached by ClinVar (database versions not stated): ExAC 0.00001; gnomAD exomes 0.00001.
gnomAD v4.1: 3 of 1,613,828 alleles (0.00019%); highest among the groups gnomAD compares: Non-Finnish European, 0.000085%; no homozygotes.

Submissions (2):

Labcorp Genetics (formerly Invitae), Labcorp
Classification: Uncertain significance. Last evaluated: 2021-12-25. Review status: criteria provided, single submitter. Criteria: Invitae Variant Classification Sherloc (09022015). Collection method: clinical testing. Allele origin: germline.
Comment: This sequence change replaces arginine, which is basic and polar, with cysteine, which is neutral and slightly polar, at codon 576 of the TAB2 protein (p.Arg576Cys). This variant is present in population databases (rs772797083, gnomAD 0.005%). This variant has not been reported in the literature in individuals affected with TAB2-related conditions. Algorithms developed to predict the effect of missense changes on protein structure and function (SIFT, PolyPhen-2, Align-GVGD) all suggest that this variant is likely to be disruptive. Algorithms developed to predict the effect of sequence changes on RNA splicing suggest that this variant may create or strengthen a splice site. In summary, the available evidence is currently insufficient to determine the role of this variant in disease. Therefore, it has been classified as a Variant of Uncertain Significance.

GeneDx
Classification: Uncertain significance. Last evaluated: 2021-12-14. Review status: criteria provided, single submitter. Criteria: GeneDx Variant Classification Process June 2021. Collection method: clinical testing. Allele origin: germline. Affected: yes.
Comment: Not observed at significant frequency in large population cohorts (gnomAD); In silico analysis supports that this missense variant has a deleterious effect on protein structure/function; Has not been previously published as pathogenic or benign to our knowledge.